The following is an entry in ClinVar:

NM_017763.6(RNF43):c.688-8C>T

Gene: RNF43 (ring finger protein 43; minus strand). Cytogenetic location: 17q22.
Variant type: single nucleotide variant.
Coding change: c.688-8C>T on transcript NM_017763.6 (MANE Select); 8 bases into the intron before coding-DNA position 688, C replaced by T.
Molecular consequence: intron variant.
Genome position (GRCh38, 1-based): chr17:58,360,952, G>A on the plus strand (C>T on the coding strand, the complement: RNF43 is on the minus strand). VCF-style: chr17-58360952-G-A. GRCh37 (hg19) VCF-style: chr17-56438313-G-A.
Other names: c.688-8C>T (NM_001438822.1, NM_001305544.3, NM_001438820.1 and 1 more transcripts); c.307-8C>T (NM_001305545.2, NM_001437987.1).
Identifiers: ClinVar variation 1991541 (VCV001991541.6), dbSNP rs2143448860, ClinGen allele CA2580094288.

ClinVar aggregate classification (germline): Likely benign. Review status: criteria provided, multiple submitters, no conflicts (2 of 4 stars). 3 submissions from 3 submitters: Likely benign (3). Last evaluated 2026-06-26.

Conditions:
Sessile serrated polyposis cancer syndrome (SSPCS). Identifiers: Orphanet 157798, MedGen C4310714, MONDO:0014919, OMIM 617108.

Allele frequency attached by ClinVar (database versions not stated): gnomAD exomes below 0.00001.

Submissions (3):

Myriad Genetics, Inc.
Classification: Likely benign for Sessile serrated polyposis cancer syndrome. Last evaluated: 2026-06-26. Review status: criteria provided, single submitter. Criteria: Myriad Autosomal Dominant, Autosomal Recessive and X-Linked Classification Criteria (2023). Collection method: clinical testing. Allele origin: unknown.
Comment: This variant is considered likely benign. This variant is intronic and is not expected to impact mRNA splicing.

Center for Genomic Medicine, Rigshospitalet, Copenhagen University Hospital
Classification: Likely benign. Last evaluated: 2025-12-29. Review status: criteria provided, single submitter. Criteria: ACMG Guidelines, 2015. Collection method: clinical testing. Allele origin: germline.

Labcorp Genetics (formerly Invitae), Labcorp
Classification: Likely benign. Last evaluated: 2025-03-05. Review status: criteria provided, single submitter. Criteria: Invitae Variant Classification Sherloc (09022015). Collection method: clinical testing. Allele origin: germline.